The following is an entry in ClinVar:

ClinVar aggregate classification (germline): Uncertain significance (1 of 4 stars; one submission).

Conditions:
Hereditary cancer-predisposing syndrome. Also called: Neoplastic Syndromes, Hereditary; Tumor predisposition; Hereditary neoplastic syndrome; Hereditary Cancer Syndrome. Identifiers: Orphanet 140162, MedGen C0027672, MeSH D009386, MONDO:0015356.

Submission:

Ambry Genetics
Classification: Uncertain significance for Hereditary cancer-predisposing syndrome. Last evaluated: 2024-01-23. Review status: criteria provided, single submitter. Criteria: Ambry Variant Classification Scheme 2023. Collection method: clinical testing. Allele origin: germline.
Comment: The p.M531L variant (also known as c.1591A>T), located in coding exon 8 of the SMARCA4 gene, results from an A to T substitution at nucleotide position 1591. The methionine at codon 531 is replaced by leucine, an amino acid with highly similar properties. This amino acid position is highly conserved in available vertebrate species. In addition, the in silico prediction for this alteration is inconclusive. Based on the available evidence, the clinical significance of this alteration remains unclear.

NM_003072.5(SMARCA4):c.1591A>T (p.Met531Leu)

Gene: SMARCA4 (SWI/SNF related BAF chromatin remodeling complex subunit ATPase 4; plus strand). Cytogenetic location: 19p13.2.
Variant type: single nucleotide variant.
Coding change: c.1591A>T on transcript NM_003072.5 (MANE Select); coding-DNA position 1591, A replaced by T.
Protein change: p.Met531Leu; replaces methionine 531 with leucine.
Molecular consequence: missense variant. On other transcripts: non-coding transcript variant (1).
Genome position (GRCh38, 1-based): chr19:10,994,999, A>T. VCF-style: chr19-10994999-A-T. GRCh37 (hg19) VCF-style: chr19-11105675-A-T.
Other names: c.1591A>T, p.Met531Leu (NM_001128844.3, NM_001128845.2, NM_001128846.2 and 6 more transcripts); short protein forms M531L.
Identifiers: ClinVar variation 3233072 (VCV003233072.1), dbSNP rs1555762206, ClinGen allele CA404062834.